The following is an entry in ClinVar:

ClinVar aggregate classification (germline): Uncertain significance. Review status: criteria provided, multiple submitters, no conflicts (2 of 4 stars). 3 submissions from 3 submitters: Uncertain significance (3). Last evaluated 2024-03-20.

Conditions:
Inborn genetic diseases. Identifiers: MedGen C0950123, MeSH D030342.

Allele frequency attached by ClinVar (database versions not stated): gnomAD exomes below 0.00001 and 0.00001.
gnomAD v4.1: 5 of 1,605,482 alleles (0.00031%); highest among the groups gnomAD compares: Admixed American, 0.0051%; no homozygotes.

Submissions (3):

Ambry Genetics
Classification: Uncertain significance for Inborn genetic diseases. Last evaluated: 2024-03-20. Review status: criteria provided, single submitter. Criteria: Ambry Variant Classification Scheme 2023. Collection method: clinical testing. Allele origin: germline.

GeneDx
Classification: Uncertain significance. Last evaluated: 2022-10-18. Review status: criteria provided, single submitter. Criteria: GeneDx Variant Classification Process June 2021. Collection method: clinical testing. Allele origin: germline. Affected: yes.
Comment: In silico analysis supports that this missense variant has a deleterious effect on protein structure/function; Has not been previously published as pathogenic or benign to our knowledge

Labcorp Genetics (formerly Invitae), Labcorp
Classification: Uncertain significance. Last evaluated: 2022-06-20. Review status: criteria provided, single submitter. Criteria: Invitae Variant Classification Sherloc (09022015). Collection method: clinical testing. Allele origin: germline.
Comment: In summary, the available evidence is currently insufficient to determine the role of this variant in disease. Therefore, it has been classified as a Variant of Uncertain Significance. Algorithms developed to predict the effect of missense changes on protein structure and function output the following: SIFT: "Deleterious"; PolyPhen-2: "Benign"; Align-GVGD: "Class C0". The cysteine amino acid residue is found in multiple mammalian species, which suggests that this missense change does not adversely affect protein function. This variant has not been reported in the literature in individuals affected with TJP2-related conditions. The frequency data for this variant in the population databases is considered unreliable, as metrics indicate poor data quality at this position in the gnomAD database. This sequence change replaces arginine, which is basic and polar, with cysteine, which is neutral and slightly polar, at codon 167 of the TJP2 protein (p.Arg167Cys).

NM_004817.4(TJP2):c.499C>T (p.Arg167Cys)

Gene: TJP2 (tight junction protein 2; plus strand). Cytogenetic location: 9q21.11.
Variant type: single nucleotide variant.
Coding change: c.499C>T on transcript NM_004817.4 (MANE Select); coding-DNA position 499, C replaced by T.
Protein change: p.Arg167Cys; replaces arginine 167 with cysteine.
Molecular consequence: missense variant.
Genome position (GRCh38, 1-based): chr9:69,221,043, C>T. VCF-style: chr9-69221043-C-T. GRCh37 (hg19) VCF-style: chr9-71835959-C-T.
Other names: c.430C>T, p.Arg144Cys (NM_001170414.2, NM_001369870.1, NM_001369871.1); c.511C>T, p.Arg171Cys (NM_001170415.1, NM_001369874.1, NM_001369875.1); c.592C>T, p.Arg198Cys (NM_001170416.2); c.499C>T, p.Arg167Cys (NM_001369872.1, NM_001369873.1, NM_201629.3); c.499C>T (NM_004817.3); short protein forms R167C, R171C, R198C, R144C.
Identifiers: ClinVar variation 1502072 (VCV001502072.11), dbSNP rs967520708, ClinGen allele CA373528304.
Genomic context (GRCh38, chr9:69,221,043, plus strand): 5'-GATGGCAGAAGTTTCCGGAGTGGCTACAGCGAGAGGAGCCGGCTGAACAGCCATGGGGGG[C>T]GCAGCCGCAGCTGGGAGGACAGCCCGGAAAGGGGGCGTCCCCATGAGCGGGCCCGGAGCC-3'
Protein context (NP_004808.2, residues 157-177): ERSRLNSHGG[Arg167Cys]SRSWEDSPER